The following is an entry in ClinVar:

NM_001130823.3(DNMT1):c.3116+14_3116+32del

Gene: DNMT1 (DNA methyltransferase 1; minus strand). Cytogenetic location: 19p13.2.
Variant type: Deletion.
Coding change: c.3116+14_3116+32del on transcript NM_001130823.3 (MANE Select); bases 14 to 32 of the intron after coding-DNA position 3116, 19 bases deleted (TCTGTTCTTCCACGAGGCC).
Molecular consequence: intron variant.
Genome position (GRCh38, 1-based): chr19:10,143,734-10,143,752, GGCCTCGTGGAAGAACAGA deleted on the plus strand (TCTGTTCTTCCACGAGGCC on the coding strand, the reverse complement: DNMT1 is on the minus strand); deleting any 19 consecutive bases within chr19:10,143,734-10,143,758 gives the same sequence; the c. name uses the placement nearest the transcript's 3' end. VCF-style (leftmost placement, unchanged base first): chr19-10143733-TGGCCTCGTGGAAGAACAGA-T. GRCh37 (hg19) VCF-style: chr19-10254409-TGGCCTCGTGGAAGAACAGA-T.
Other names: c.2753+14_2753+32del (NM_001318731.2); c.3068+14_3068+32del (NM_001379.4, NM_001318730.2); c.3116+14_3116+32del19 (NM_001130823.3).
Identifiers: ClinVar variation 2197358 (VCV002197358.6), dbSNP rs1169365875, ClinGen allele CA631709505.

ClinVar aggregate classification (germline): Likely benign. Review status: criteria provided, multiple submitters, no conflicts (2 of 4 stars). 3 submissions from 3 submitters: Likely benign (3). Last evaluated 2025-06-27.

Conditions:
Hereditary sensory neuropathy-deafness-dementia syndrome. Also called: NEUROPATHY, HEREDITARY SENSORY, WITH HEARING LOSS AND DEMENTIA; Hereditary Sensory and Autonomic Neuropathy Type 1E (HSAN1E); Hereditary sensory neuropathy type IE; HSN IE. Identifiers: Orphanet 456318, MedGen C3279885, MONDO:0013584, OMIM 614116.

Submissions (3):

Women's Health and Genetics/Laboratory Corporation of America, LabCorp
Classification: Likely benign. Last evaluated: 2025-06-27. Review status: criteria provided, single submitter. Criteria: LabCorp Variant Classification Summary - May 2015. Collection method: clinical testing. Allele origin: germline.
Comment: Variant summary: DNMT1 c.3116+14_3116+32del19 alters non-conserved nucleotides located at a position not widely known to affect splicing. Consensus agreement among computation tools predict no significant impact on normal splicing. However, these predictions have yet to be confirmed by functional studies. The variant allele was found at a frequency of 8e-06 in 250716 control chromosomes. The available data on variant occurrences in the general population are insufficient to allow any conclusion about variant significance. To our knowledge, no occurrence of c.3116+14_3116+32del19 in individuals affected with Autosomal dominant cerebellar ataxia, deafness and narcolepsy and no experimental evidence demonstrating its impact on protein function have been reported. ClinVar contains an entry for this variant (Variation ID: 2197358). Based on the evidence outlined above, the variant was classified as likely benign.

Blueprint Genetics
Classification: Likely benign. Last evaluated: 2024-08-08. Review status: criteria provided, single submitter. Criteria: ACMG Guidelines, 2015. Collection method: clinical testing. Allele origin: germline.

Labcorp Genetics (formerly Invitae), Labcorp
Classification: Likely benign for Hereditary sensory neuropathy-deafness-dementia syndrome. Last evaluated: 2023-02-04. Review status: criteria provided, single submitter. Criteria: Invitae Variant Classification Sherloc (09022015). Collection method: clinical testing. Allele origin: germline.